The following is an entry in ClinVar:

NM_000448.3(RAG1):c.1472T>C (p.Val491Ala)

Gene: RAG1 (recombination activating 1; plus strand). Cytogenetic location: 11p12.
Variant type: single nucleotide variant.
Coding change: c.1472T>C on transcript NM_000448.3 (MANE Select); coding-DNA position 1472, T replaced by C.
Protein change: p.Val491Ala; replaces valine 491 with alanine.
Molecular consequence: missense variant.
Genome position (GRCh38, 1-based): chr11:36,574,776, T>C. VCF-style: chr11-36574776-T-C. GRCh37 (hg19) VCF-style: chr11-36596326-T-C.
Other names: c.1472T>C, p.Val491Ala (NM_001377277.1, NM_001377278.1, NM_001377279.1 and 1 more transcripts); short protein forms V491A.
Identifiers: ClinVar variation 1485099 (VCV001485099.6), dbSNP rs1198163896, ClinGen allele CA380152604.

ClinVar aggregate classification (germline): Uncertain significance (1 of 4 stars; one submission).

Conditions:
Severe combined immunodeficiency, autosomal recessive, T cell-negative, B cell-negative, NK cell-positive. Also called: SCID, T CELL-NEGATIVE, B CELL-NEGATIVE, NK CELL-POSITIVE; SCID, AR, T-cell negative, B-cell negative, NK cell-positive; Severe combined immunodeficiency due to complete RAG1/2 deficiency. Identifiers: Orphanet 331206, MedGen C1832322, MONDO:0011086, OMIM 601457.
Combined immunodeficiency with skin granulomas. Identifiers: Orphanet 157949, MedGen C2673536, MONDO:0009306, OMIM 233650.

Submission:

Labcorp Genetics (formerly Invitae), Labcorp
Classification: Uncertain significance for Combined immunodeficiency with skin granulomas; Severe combined immunodeficiency, autosomal recessive, T cell-negative, B cell-negative, NK cell-positive. Last evaluated: 2022-09-27. Review status: criteria provided, single submitter. Criteria: Invitae Variant Classification Sherloc (09022015). Collection method: clinical testing. Allele origin: germline.
Comment: In summary, the available evidence is currently insufficient to determine the role of this variant in disease. Therefore, it has been classified as a Variant of Uncertain Significance. Advanced modeling of protein sequence and biophysical properties (such as structural, functional, and spatial information, amino acid conservation, physicochemical variation, residue mobility, and thermodynamic stability) has been performed at Invitae for this missense variant, however the output from this modeling did not meet the statistical confidence thresholds required to predict the impact of this variant on RAG1 protein function. ClinVar contains an entry for this variant (Variation ID: 1485099). This variant has not been reported in the literature in individuals affected with RAG1-related conditions. This variant is not present in population databases (gnomAD no frequency). This sequence change replaces valine, which is neutral and non-polar, with alanine, which is neutral and non-polar, at codon 491 of the RAG1 protein (p.Val491Ala).